The following is an entry in ClinVar:

ClinVar aggregate classification (germline): Uncertain significance (1 of 4 stars; one submission).

Conditions:
Primary ciliary dyskinesia. Also called: Ciliary dyskinesia. Identifiers: Orphanet 244, MedGen C0008780, MONDO:0016575, HP:0012265.

Allele frequency attached by ClinVar (database versions not stated): gnomAD 0.00001; TOPMed 0.00001.
gnomAD v4.1: 19 of 1,613,968 alleles (0.0012%); highest among the groups gnomAD compares: African/African-American, 0.0053%; no homozygotes.

Submission:

Labcorp Genetics (formerly Invitae), Labcorp
Classification: Uncertain significance for Primary ciliary dyskinesia. Last evaluated: 2024-05-22. Review status: criteria provided, single submitter. Criteria: Invitae Variant Classification Sherloc (09022015). Collection method: clinical testing. Allele origin: germline.
Comment: This sequence change replaces alanine, which is neutral and non-polar, with valine, which is neutral and non-polar, at codon 359 of the DNAAF1 protein (p.Ala359Val). This variant is present in population databases (no rsID available, gnomAD 0.006%). This variant has not been reported in the literature in individuals affected with DNAAF1-related conditions. ClinVar contains an entry for this variant (Variation ID: 2061376). Algorithms developed to predict the effect of missense changes on protein structure and function output the following: SIFT: "Not Available"; PolyPhen-2: "Benign"; Align-GVGD: "Not Available". The valine amino acid residue is found in multiple mammalian species, which suggests that this missense change does not adversely affect protein function. In summary, the available evidence is currently insufficient to determine the role of this variant in disease. Therefore, it has been classified as a Variant of Uncertain Significance.

NM_178452.6(DNAAF1):c.1076C>T (p.Ala359Val)

Gene: DNAAF1 (dynein axonemal assembly factor 1; plus strand). Cytogenetic location: 16q24.1.
Variant type: single nucleotide variant.
Coding change: c.1076C>T on transcript NM_178452.6 (MANE Select); coding-DNA position 1076, C replaced by T.
Protein change: p.Ala359Val; replaces alanine 359 with valine.
Molecular consequence: missense variant.
Genome position (GRCh38, 1-based): chr16:84,169,904, C>T. VCF-style: chr16-84169904-C-T. GRCh37 (hg19) VCF-style: chr16-84203510-C-T.
Other names: c.368C>T, p.Ala123Val (NM_001318756.1); short protein forms A123V, A359V.
Identifiers: ClinVar variation 2061376 (VCV002061376.3), dbSNP rs899339856, ClinGen allele CA285523445.
Genomic context (GRCh38, chr16:84,169,904, plus strand): 5'-ATTTTCTGCCATTAGGGGAGATGACATCTTCAGATGATGGTGAGAATGTGCCCGCCAGTG[C>T]GGAAGGCAAGGAGGAGCCTCCCGGGGACAGAGAAACAAGGCAGAAGATGGAGCTATTTGT-3'
Protein context (NP_848547.4, residues 349-369): SDDGENVPAS[Ala359Val]EGKEEPPGDR